The following is an entry in ClinVar:

ClinVar aggregate classification (germline): Benign/Likely benign. Review status: criteria provided, multiple submitters, no conflicts (2 of 4 stars). 25 submissions from 18 submitters: Benign (17); Likely benign (4). 4 of the submissions do not count toward it. Last evaluated 2026-02-03.

Conditions:
Cardiovascular phenotype. Identifiers: MedGen CN230736.
Dilated cardiomyopathy 1G (CMD1G). Identifiers: Orphanet 154, MedGen C1858763, MONDO:0011400, OMIM 604145.
Autosomal recessive limb-girdle muscular dystrophy type 2J (LGMDR10). Also called: Limb-girdle muscular dystrophy, type 2J; MUSCULAR DYSTROPHY, LIMB-GIRDLE, AUTOSOMAL RECESSIVE 10. Identifiers: Orphanet 140922, MedGen C1837342, MONDO:0012127, OMIM 608807.
Early-onset myopathy with fatal cardiomyopathy (CMYO5). Also called: CONGENITAL MYOPATHY 5 WITH CARDIOMYOPATHY; Salih Myopathy. Identifiers: Orphanet 289377, MedGen C2673677, MONDO:0012714, OMIM 611705. Disease mechanism: loss of function.
Myopathy, myofibrillar, 9, with early respiratory failure (MFM9). Also called: MYOPATHY, PROXIMAL, WITH EARLY RESPIRATORY MUSCLE INVOLVEMENT; Myopathy, distal, with early respiratory failure, autosomal dominant; Hereditary myopathy with early respiratory failure; EDSTROM MYOPATHY. Identifiers: Orphanet 178464, Orphanet 34521, MedGen C1863599, MONDO:0011362, OMIM 603689.
Tibial muscular dystrophy (TMD). Also called: Tibial muscular dystrophy, tardive; UDD MYOPATHY; Udd Distal Myopathy – Tibial Muscular Dystrophy. Identifiers: Orphanet 609, MedGen C1838244, MONDO:0010870, OMIM 600334.

Allele frequency attached by ClinVar (database versions not stated): gnomAD exomes 0.00106 and 0.00281; ExAC 0.00349; ESP Exome Variant Server 0.01071; gnomAD 0.01102 and 0.01184; TOPMed 0.01232; 1000 Genomes Project 0.01318; 1000 Genomes Project 30x 0.01421.
gnomAD v4.1: 3,311 of 1,612,996 alleles (0.21%); highest among the groups gnomAD compares: African/African-American, 3.8%; 63 homozygotes.

Submissions (25):

Labcorp Genetics (formerly Invitae), Labcorp
Classification: Benign for Dilated cardiomyopathy 1G; Autosomal recessive limb-girdle muscular dystrophy type 2J. Last evaluated: 2026-02-03. Review status: criteria provided, single submitter. Criteria: Invitae Variant Classification Sherloc (09022015). Collection method: clinical testing. Allele origin: germline.

ARUP Laboratories, Molecular Genetics and Genomics, ARUP Laboratories
Classification: Benign. Last evaluated: 2025-06-25. Review status: criteria provided, single submitter. Criteria: ARUP Molecular Germline Variant Investigation Process 2024. Collection method: clinical testing. Allele origin: germline.

Molecular Diagnostic Laboratory for Inherited Cardiovascular Disease, Montreal Heart Institute
Classification: Benign. Last evaluated: 2025-04-09. Review status: criteria provided, single submitter. Criteria: ACMG Guidelines, 2015. Collection method: clinical testing. Allele origin: germline. Affected: no.

Athena Diagnostics
Classification: Benign. Last evaluated: 2024-03-08. Review status: criteria provided, single submitter. Criteria: Athena Diagnostics Criteria. Collection method: clinical testing. Allele origin: unknown.

Genome-Nilou Lab
Classification: Benign for Autosomal recessive limb-girdle muscular dystrophy type 2J. Last evaluated: 2021-09-10. Review status: criteria provided, single submitter. Criteria: ACMG Guidelines, 2015. Collection method: clinical testing. Allele origin: germline. Affected: no.

Genome-Nilou Lab
Classification: Benign for Myopathy, myofibrillar, 9, with early respiratory failure. Last evaluated: 2021-09-10. Review status: criteria provided, single submitter. Criteria: ACMG Guidelines, 2015. Collection method: clinical testing. Allele origin: germline. Affected: no.

Genome-Nilou Lab
Classification: Benign for Early-onset myopathy with fatal cardiomyopathy. Last evaluated: 2021-09-10. Review status: criteria provided, single submitter. Criteria: ACMG Guidelines, 2015. Collection method: clinical testing. Allele origin: germline. Affected: no.

Genome-Nilou Lab
Classification: Benign for Tibial muscular dystrophy. Last evaluated: 2021-09-10. Review status: criteria provided, single submitter. Criteria: ACMG Guidelines, 2015. Collection method: clinical testing. Allele origin: germline. Affected: no.

Women's Health and Genetics/Laboratory Corporation of America, LabCorp
Classification: Likely benign. Last evaluated: 2020-05-10. Review status: criteria provided, single submitter. Criteria: LabCorp Variant Classification Summary - May 2015. Collection method: clinical testing. Allele origin: germline.

Mayo Clinic Laboratories, Mayo Clinic
Classification: Benign. Last evaluated: 2019-04-15. Review status: criteria provided, single submitter. Criteria: ACMG Guidelines, 2015. Collection method: clinical testing. Allele origin: germline. Observed: 24 variant alleles.

Illumina Laboratory Services, Illumina
Classification: Likely benign for Dilated cardiomyopathy 1G. Last evaluated: 2018-01-13. Review status: criteria provided, single submitter. Criteria: ICSL Variant Classification Criteria 13 December 2019. Collection method: clinical testing. Allele origin: germline.
Comment: This variant was observed in the ICSL laboratory as part of a predisposition screen in an ostensibly healthy population. It had not been previously curated by ICSL or reported in the Human Gene Mutation Database (HGMD: prior to June 1st, 2018), and was therefore a candidate for classification through an automated scoring system. Utilizing variant allele frequency, disease prevalence and penetrance estimates, and inheritance mode, an automated score was calculated to assess if this variant is too frequent to cause the disease. Based on the score and internal cut-off values, a variant classified as likely benign is not then subjected to further curation. The score for this variant resulted in a classification of likely benign for this disease.

Illumina Laboratory Services, Illumina
Classification: Benign for Early-onset myopathy with fatal cardiomyopathy. Last evaluated: 2018-01-13. Review status: criteria provided, single submitter. Criteria: ICSL Variant Classification Criteria 13 December 2019. Collection method: clinical testing. Allele origin: germline.
Comment: This variant was observed in the ICSL laboratory as part of a predisposition screen in an ostensibly healthy population. It had not been previously curated by ICSL or reported in the Human Gene Mutation Database (HGMD: prior to June 1st, 2018), and was therefore a candidate for classification through an automated scoring system. Utilizing variant allele frequency, disease prevalence and penetrance estimates, and inheritance mode, an automated score was calculated to assess if this variant is too frequent to cause the disease. Based on the score and internal cut-off values, a variant classified as benign is not then subjected to further curation. The score for this variant resulted in a classification of benign for this disease.

Illumina Laboratory Services, Illumina
Classification: Benign for Myopathy, myofibrillar, 9, with early respiratory failure. Last evaluated: 2018-01-13. Review status: criteria provided, single submitter. Criteria: ICSL Variant Classification Criteria 13 December 2019. Collection method: clinical testing. Allele origin: germline.
Comment: the same text as in the submission from Illumina Laboratory Services, Illumina above.

Illumina Laboratory Services, Illumina
Classification: Benign for Tibial muscular dystrophy. Last evaluated: 2018-01-13. Review status: criteria provided, single submitter. Criteria: ICSL Variant Classification Criteria 13 December 2019. Collection method: clinical testing. Allele origin: germline.
Comment: the same text as in the submission from Illumina Laboratory Services, Illumina above.

Illumina Laboratory Services, Illumina
Classification: Likely benign for Autosomal recessive limb-girdle muscular dystrophy type 2J. Last evaluated: 2018-01-13. Review status: criteria provided, single submitter. Criteria: ICSL Variant Classification Criteria 13 December 2019. Collection method: clinical testing. Allele origin: germline.
Comment: the same text as in the submission from Illumina Laboratory Services, Illumina above.

GeneDx
Classification: Benign. Last evaluated: 2013-11-08. Review status: criteria provided, single submitter. Criteria: GeneDx Variant Classification (06012015). Collection method: clinical testing. Allele origin: germline. Affected: yes.
Comment: This variant is considered likely benign or benign based on one or more of the following criteria: it is a conservative change, it occurs at a poorly conserved position in the protein, it is predicted to be benign by multiple in silico algorithms, and/or has population frequency not consistent with disease.

Biesecker Lab/Clinical Genomics Section, National Institutes of Health
Classification: Benign. Last evaluated: 2013-06-24. Review status: criteria provided, single submitter. Criteria: Ng et al. (Circ Cardiovasc Genet. 2013). Collection method: research. Allele origin: unknown. Observed: 1 variant allele. Study: ClinSeq.
Comment: The study set was not selected for affection status in relation to any cancer. Pathogenicity categories were based on literature curation. See Pubmed ID:23861362 for details.

Medical sequencing

Ambry Genetics
Classification: Benign for Cardiovascular phenotype. Last evaluated: 2013-05-31. Review status: criteria provided, single submitter. Criteria: Ambry Autosomal Dominant and X-Linked criteria (10/2015). Collection method: clinical testing. Allele origin: germline. Observed: 1 variant allele.

Laboratory for Molecular Medicine, Mass General Brigham Personalized Medicine
Classification: Benign. Last evaluated: 2012-04-03. Review status: criteria provided, single submitter. Criteria: LMM Criteria. Collection method: clinical testing. Allele origin: germline. Observed: 16 variant alleles.

Breakthrough Genomics
Classification: Likely benign. Review status: criteria provided, single submitter. Criteria: ACMG Guidelines, 2015. Collection method: not provided. Allele origin: germline. Inheritance: Autosomal recessive inheritance. Affected: yes.

PreventionGenetics, part of Exact Sciences
Classification: Benign. Review status: criteria provided, single submitter. Criteria: ACMG Guidelines, 2015. Collection method: clinical testing. Allele origin: germline.

Clinical Genetics DNA and cytogenetics Diagnostics Lab, Erasmus MC, Erasmus Medical Center
Classification: Benign. Review status: no assertion criteria provided. Collection method: clinical testing. Allele origin: germline. Affected: yes. Study: VKGL Data-share Consensus. Not counted in ClinVar's aggregate classification.

Clinical Genetics, Academic Medical Center
Classification: Benign. Review status: no assertion criteria provided. Collection method: clinical testing. Allele origin: germline. Affected: yes. Study: VKGL Data-share Consensus. Not counted in ClinVar's aggregate classification.

Genetic Services Laboratory, University of Chicago
Classification: Likely benign for AllHighlyPenetrant. Review status: no assertion criteria provided. Collection method: clinical testing. Allele origin: germline. Not counted in ClinVar's aggregate classification.
Comment: Likely benign based on allele frequency in 1000 Genomes Project or ESP global frequency and its presence in a patient with a rare or unrelated disease phenotype. NOT Sanger confirmed.

Joint Genome Diagnostic Labs from Nijmegen and Maastricht, Radboudumc and MUMC+
Classification: Benign. Review status: no assertion criteria provided. Collection method: clinical testing. Allele origin: germline. Affected: yes. Study: VKGL Data-share Consensus. Not counted in ClinVar's aggregate classification.

Literature cited by the submitters: PubMed 23861362 (cited by Athena Diagnostics).

NM_001267550.2(TTN):c.32254G>A (p.Val10752Ile)

Gene: TTN (titin; minus strand). Cytogenetic location: 2q31.2.
Variant type: single nucleotide variant.
Coding change: c.32254G>A on transcript NM_001267550.2 (MANE Select); coding-DNA position 32254, G replaced by A.
Protein change: p.Val10752Ile; replaces valine 10752 with isoleucine.
Molecular consequence: missense variant. On other transcripts: intron variant (3).
Genome position (GRCh38, 1-based): chr2:178,688,168, C>T on the plus strand (G>A on the coding strand, the complement: TTN is on the minus strand). VCF-style: chr2-178688168-C-T. GRCh37 (hg19) VCF-style: chr2-179552895-C-T.
Other names: p.V10435I:GTT>ATT; c.13283-45851G>A (NM_003319.4); c.13859-45851G>A (NM_133437.4); c.13658-45851G>A (NM_133432.3); c.31303G>A, p.Val10435Ile (NM_001256850.1); c.28522G>A, p.Val9508Ile (NM_133378.4); short protein forms V10752I, V10435I, V9508I.
Identifiers: ClinVar variation 46863 (VCV000046863.45), dbSNP rs72650028, ClinGen allele CA283107.